The following is an entry in ClinVar:

NM_025099.6(CTC1):c.1585C>A (p.Leu529Ile)

Gene: CTC1 (CST telomere replication complex component 1; minus strand). Cytogenetic location: 17p13.1.
Variant type: single nucleotide variant.
Coding change: c.1585C>A on transcript NM_025099.6 (MANE Select); coding-DNA position 1585, C replaced by A.
Protein change: p.Leu529Ile; replaces leucine 529 with isoleucine.
Molecular consequence: missense variant. On other transcripts: non-coding transcript variant (1).
Genome position (GRCh38, 1-based): chr17:8,234,781, G>T on the plus strand (C>A on the coding strand, the complement: CTC1 is on the minus strand). VCF-style: chr17-8234781-G-T. GRCh37 (hg19) VCF-style: chr17-8138099-G-T.
Other names: short protein forms L529I.
Identifiers: ClinVar variation 577242 (VCV000577242.54), dbSNP rs201560353, ClinGen allele CA8372310.
Genomic context (GRCh38, chr17:8,234,781, plus strand): 5'-CCACCATCCTTCCCCCACATCCTCATACTTTCTGGAGGGGACAGTGATGTGGCTCTTCAA[G>T]GATCTCATTGTGTGCATTCCGAACAGGGCTGCCTGGCGGAGCTAGAAGATCCAGGGTAGG-3'
Protein context (NP_079375.3, residues 519-539): SPVRNAHNEI[Leu529Ile]EEPHHCPLQK

ClinVar aggregate classification (germline): Uncertain significance. Review status: criteria provided, multiple submitters, no conflicts (2 of 4 stars). 8 submissions from 8 submitters: Uncertain significance (8). Last evaluated 2026-02-05.

Conditions:
CTC1-related disorder. Also called: CTC1-related condition.
Inborn genetic diseases. Identifiers: MedGen C0950123, MeSH D030342.
Cerebroretinal microangiopathy with calcifications and cysts 1 (CRMCC1). Identifiers: Orphanet 313838, MedGen C4552029, MONDO:0024564, OMIM 612199.
Dyskeratosis congenita. Identifiers: Orphanet 1775, MedGen C0265965, MONDO:0015780.

Allele frequency attached by ClinVar (database versions not stated): gnomAD 0.00003; ESP Exome Variant Server 0.00008; TOPMed 0.00021.
gnomAD v4.1: 314 of 1,604,366 alleles (0.02%); highest among the groups gnomAD compares: Non-Finnish European, 0.025%; no homozygotes.

Submissions (8):

PreventionGenetics, part of Exact Sciences
Classification: Uncertain significance for CTC1-related condition. Last evaluated: 2026-02-05. Review status: criteria provided, single submitter. Criteria: ACMG Guidelines, 2015. Collection method: clinical testing. Allele origin: germline.
Comment: The CTC1 c.1585C>A variant is predicted to result in the amino acid substitution p.Leu529Ile. This variant was reported in an individual with common variable immunodeficiency (supplementary data, Rolles et al. 2023. PubMed ID: 37944684). This variant is reported in 0.018% of alleles in individuals of European (Non-Finnish) descent in gnomAD. At this time, the clinical significance of this variant is uncertain due to the absence of conclusive functional and genetic evidence.

CeGaT Center for Human Genetics Tuebingen
Classification: Uncertain significance. Last evaluated: 2025-01-01. Review status: criteria provided, single submitter. Criteria: CeGaT Center For Human Genetics Tuebingen Variant Classification Criteria Version 2. Collection method: clinical testing. Allele origin: germline. Affected: yes. Observed: 2 variant alleles.
Comment: CTC1: PM2, BP4

Blueprint Genetics
Classification: Uncertain significance. Last evaluated: 2024-11-06. Review status: criteria provided, single submitter. Criteria: ACMG Guidelines, 2015. Collection method: clinical testing. Allele origin: germline.

Labcorp Genetics (formerly Invitae), Labcorp
Classification: Uncertain significance for Dyskeratosis congenita. Last evaluated: 2024-01-22. Review status: criteria provided, single submitter. Criteria: Invitae Variant Classification Sherloc (09022015). Collection method: clinical testing. Allele origin: germline.
Comment: This sequence change replaces leucine, which is neutral and non-polar, with isoleucine, which is neutral and non-polar, at codon 529 of the CTC1 protein (p.Leu529Ile). This variant is present in population databases (rs201560353, gnomAD 0.02%). This variant has not been reported in the literature in individuals affected with CTC1-related conditions. ClinVar contains an entry for this variant (Variation ID: 577242). Advanced modeling of protein sequence and biophysical properties (such as structural, functional, and spatial information, amino acid conservation, physicochemical variation, residue mobility, and thermodynamic stability) performed at Invitae indicates that this missense variant is expected to disrupt CTC1 protein function with a positive predictive value of 80%. In summary, the available evidence is currently insufficient to determine the role of this variant in disease. Therefore, it has been classified as a Variant of Uncertain Significance.

Ambry Genetics
Classification: Uncertain significance for Inborn genetic diseases. Last evaluated: 2023-09-29. Review status: criteria provided, single submitter. Criteria: Ambry Variant Classification Scheme 2023. Collection method: clinical testing. Allele origin: germline.

Genome-Nilou Lab
Classification: Uncertain significance for Cerebroretinal microangiopathy with calcifications and cysts 1. Last evaluated: 2021-07-15. Review status: criteria provided, single submitter. Criteria: ACMG Guidelines, 2015. Collection method: clinical testing. Allele origin: germline. Affected: no.

GeneDx
Classification: Uncertain significance. Last evaluated: 2021-06-30. Review status: criteria provided, single submitter. Criteria: GeneDx Variant Classification Process June 2021. Collection method: clinical testing. Allele origin: germline. Affected: yes.
Comment: In silico analysis supports that this missense variant does not alter protein structure/function; Has not been previously published as pathogenic or benign to our knowledge; This variant is associated with the following publications: (PMID: 27535533)

Baylor Genetics
Classification: Uncertain significance for Cerebroretinal microangiopathy with calcifications and cysts 1. Last evaluated: 2018-01-16. Review status: criteria provided, single submitter. Criteria: ACMG Guidelines, 2015. Collection method: clinical testing. Allele origin: maternal. Affected: yes.
Comment: This variant was determined to be of uncertain significance according to ACMG Guidelines, 2015 [PMID:25741868].